The following is an entry in ClinVar:

ClinVar aggregate classification (germline): Uncertain significance (1 of 4 stars; one submission).

Allele frequency attached by ClinVar (database versions not stated): gnomAD exomes below 0.00001.
gnomAD v4.1: 2 of 1,613,658 alleles (0.00012%); highest among the groups gnomAD compares: Non-Finnish European, 0.00017%; no homozygotes.

Submission:

Labcorp Genetics (formerly Invitae), Labcorp
Classification: Uncertain significance. Last evaluated: 2021-07-02. Review status: criteria provided, single submitter. Criteria: Invitae Variant Classification Sherloc (09022015). Collection method: clinical testing. Allele origin: germline.
Comment: Advanced modeling of protein sequence and biophysical properties (such as structural, functional, and spatial information, amino acid conservation, physicochemical variation, residue mobility, and thermodynamic stability) performed at Invitae indicates that this missense variant is expected to disrupt NDUFV1 protein function. In summary, the available evidence is currently insufficient to determine the role of this variant in disease. Therefore, it has been classified as a Variant of Uncertain Significance. This sequence change replaces glycine with alanine at codon 306 of the NDUFV1 protein (p.Gly306Ala). The glycine residue is highly conserved and there is a small physicochemical difference between glycine and alanine. This variant is not present in population databases (ExAC no frequency). This variant has not been reported in the literature in individuals affected with NDUFV1-related conditions.

NM_007103.4(NDUFV1):c.917G>C (p.Gly306Ala)

Gene: NDUFV1 (NADH:ubiquinone oxidoreductase core subunit V1; plus strand). Cytogenetic location: 11q13.2.
Variant type: single nucleotide variant.
Coding change: c.917G>C on transcript NM_007103.4 (MANE Select); coding-DNA position 917, G replaced by C.
Protein change: p.Gly306Ala; replaces glycine 306 with alanine.
Molecular consequence: missense variant.
Genome position (GRCh38, 1-based): chr11:67,611,406, G>C. VCF-style: chr11-67611406-G-C. GRCh37 (hg19) VCF-style: chr11-67378877-G-C.
Other names: c.890G>C, p.Gly297Ala (NM_001166102.2); short protein forms G297A, G306A.
Identifiers: ClinVar variation 1365377 (VCV001365377.8), dbSNP rs528790418, ClinGen allele CA381540427.